The following is an entry in ClinVar:

ClinVar aggregate classification (germline): Uncertain significance (1 of 4 stars; one submission).

Submission:

Labcorp Genetics (formerly Invitae), Labcorp
Classification: Uncertain significance. Last evaluated: 2021-11-11. Review status: criteria provided, single submitter. Criteria: Invitae Variant Classification Sherloc (09022015). Collection method: clinical testing. Allele origin: germline.
Comment: This variant is not present in population databases (gnomAD no frequency). In summary, the available evidence is currently insufficient to determine the role of this variant in disease. Therefore, it has been classified as a Variant of Uncertain Significance. Advanced modeling of protein sequence and biophysical properties (such as structural, functional, and spatial information, amino acid conservation, physicochemical variation, residue mobility, and thermodynamic stability) performed at Invitae indicates that this missense variant is not expected to disrupt FAT4 protein function. This variant has not been reported in the literature in individuals affected with FAT4-related conditions. This sequence change replaces valine, which is neutral and non-polar, with phenylalanine, which is neutral and non-polar, at codon 1897 of the FAT4 protein (p.Val1897Phe).

NM_001291303.3(FAT4):c.5689G>T (p.Val1897Phe)

Gene: FAT4 (FAT atypical cadherin 4; plus strand). Cytogenetic location: 4q28.1.
Variant type: single nucleotide variant.
Coding change: c.5689G>T on transcript NM_001291303.3 (MANE Select); coding-DNA position 5689, G replaced by T.
Protein change: p.Val1897Phe; replaces valine 1897 with phenylalanine.
Molecular consequence: missense variant.
Genome position (GRCh38, 1-based): chr4:125,408,563, G>T. VCF-style: chr4-125408563-G-T. GRCh37 (hg19) VCF-style: chr4-126329718-G-T.
Other names: c.5689G>T, p.Val1897Phe (NM_001291285.3, NM_024582.6); short protein forms V1897F.
Identifiers: ClinVar variation 1350779 (VCV001350779.5), dbSNP rs2126021166, ClinGen allele CA358123369.